The following is an entry in ClinVar:

NM_015693.4(INTU):c.1882G>C (p.Val628Leu)

Gene: INTU (inturned planar cell polarity protein; plus strand). Cytogenetic location: 4q28.1.
Variant type: single nucleotide variant.
Coding change: c.1882G>C on transcript NM_015693.4 (MANE Select); coding-DNA position 1882, G replaced by C.
Protein change: p.Val628Leu; replaces valine 628 with leucine.
Molecular consequence: missense variant.
Genome position (GRCh38, 1-based): chr4:127,706,580, G>C. VCF-style: chr4-127706580-G-C. GRCh37 (hg19) VCF-style: chr4-128627735-G-C.
Other names: short protein forms V628L.
Identifiers: ClinVar variation 1716978 (VCV001716978.6), dbSNP rs2531029232, ClinGen allele CA358137202.

ClinVar aggregate classification (germline): Uncertain significance (1 of 4 stars; one submission).

Submission:

Labcorp Genetics (formerly Invitae), Labcorp
Classification: Uncertain significance. Last evaluated: 2022-11-22. Review status: criteria provided, single submitter. Criteria: Invitae Variant Classification Sherloc (09022015). Collection method: clinical testing. Allele origin: germline.
Comment: In summary, the available evidence is currently insufficient to determine the role of this variant in disease. Therefore, it has been classified as a Variant of Uncertain Significance. Advanced modeling of protein sequence and biophysical properties (such as structural, functional, and spatial information, amino acid conservation, physicochemical variation, residue mobility, and thermodynamic stability) performed at Invitae indicates that this missense variant is not expected to disrupt INTU protein function. This variant has not been reported in the literature in individuals affected with INTU-related conditions. This variant is not present in population databases (gnomAD no frequency). This sequence change replaces valine, which is neutral and non-polar, with leucine, which is neutral and non-polar, at codon 628 of the INTU protein (p.Val628Leu).